The following is an entry in ClinVar:

ClinVar aggregate classification (germline): Conflicting classifications of pathogenicity. Review status: criteria provided, conflicting classifications (1 of 4 stars). 6 submissions from 6 submitters: Uncertain significance (2); Likely benign (3). 1 of the submissions does not count toward it. Last evaluated 2026-02-04.

Conditions:
DYNC2H1-related disorder. Also called: DYNC2H1-related condition; DYNC2H1-related disorders. Identifiers: MedGen CN378770.
Jeune thoracic dystrophy. Also called: Short-rib thoracic dysplasia; Jeune syndrome; Infantile thoracic dystrophy; Thoracic pelvic phalangeal dystrophy; Jeune's syndrome; Chondroectodermal dysplasia-like syndrome. Identifiers: Orphanet 474, MedGen C0265275, MONDO:0018770.

Allele frequency attached by ClinVar (database versions not stated): gnomAD exomes 0.00019 and 0.00056; ExAC 0.00062; 1000 Genomes Project 30x 0.00109; 1000 Genomes Project 0.00140; gnomAD 0.00197 and 0.00219; ESP Exome Variant Server 0.00216; TOPMed 0.00232.
gnomAD v4.1: 580 of 1,613,402 alleles (0.036%); highest among the groups gnomAD compares: African/African-American, 0.69%; 4 homozygotes.

Submissions (6):

Labcorp Genetics (formerly Invitae), Labcorp
Classification: Likely benign for Jeune thoracic dystrophy. Last evaluated: 2026-02-04. Review status: criteria provided, single submitter. Criteria: Invitae Variant Classification Sherloc (09022015). Collection method: clinical testing. Allele origin: germline.

Blueprint Genetics
Classification: Likely benign. Last evaluated: 2024-10-22. Review status: criteria provided, single submitter. Criteria: ACMG Guidelines, 2015. Collection method: clinical testing. Allele origin: germline.

GeneDx
Classification: Likely benign. Last evaluated: 2020-08-28. Review status: criteria provided, single submitter. Criteria: GeneDx Variant Classification Process June 2021. Collection method: clinical testing. Allele origin: germline. Affected: yes.

ARUP Laboratories, Molecular Genetics and Genomics, ARUP Laboratories
Classification: Uncertain significance. Last evaluated: 2017-12-28. Review status: criteria provided, single submitter. Criteria: ARUP Molecular Germline Variant Investigation Process. Collection method: clinical testing. Allele origin: germline.
Comment: The DYNC2H1 p.Ala3085Val variant (rs202071528) has not been reported in the medical literature, nor has it been previously identified in our laboratory. The p.Ala3085Val variant is listed in the Genome Aggregation Database (gnomAD) browser with an allele frequency of 0.72% in theAfrican population (identified in 172 out of 24,006 chromosomes), and is classified as a variant of uncertain significance in ClinVar (Variant ID: 198017). The alanine at codon 3085 is highly conserved considering 12 species up to bakerâ€™s yeast (Alamut software v2.10.0), and computational analyses predict that this variant does affect the structure/function of the DYNC2H1 protein (SIFT: damaging, PolyPhen2: probably damaging, MutationTaster: disease causing). However, based on the available information, the clinical significance of the p.Ala3085Val variant cannot be determined with certainty.

Eurofins Ntd Llc (ga)
Classification: Uncertain significance. Last evaluated: 2017-02-22. Review status: criteria provided, single submitter. Criteria: EGL Classification Definitions 2015. Collection method: clinical testing. Allele origin: germline. Observed: 3 variant alleles, 3 heterozygotes.

PreventionGenetics, part of Exact Sciences
Classification: Benign for DYNC2H1-related condition. Last evaluated: 2020-04-27. Review status: no assertion criteria provided. Collection method: clinical testing. Allele origin: germline. Not counted in ClinVar's aggregate classification.
Comment: This variant is classified as benign based on ACMG/AMP sequence variant interpretation guidelines (Richards et al. 2015 PMID: 25741868, with internal and published modifications).

NM_001377.3(DYNC2H1):c.9254C>T (p.Ala3085Val)

Gene: DYNC2H1 (dynein cytoplasmic 2 heavy chain 1; plus strand). Cytogenetic location: 11q22.3.
Variant type: single nucleotide variant.
Coding change: c.9254C>T on transcript NM_001377.3 (MANE Select); coding-DNA position 9254, C replaced by T.
Protein change: p.Ala3085Val; replaces alanine 3085 with valine.
Molecular consequence: missense variant.
Genome position (GRCh38, 1-based): chr11:103,222,987, C>T. VCF-style: chr11-103222987-C-T. GRCh37 (hg19) VCF-style: chr11-103093716-C-T.
Other names: c.9254C>T, p.Ala3085Val (NM_001080463.2); short protein forms A3085V.
Identifiers: ClinVar variation 198017 (VCV000198017.26), dbSNP rs202071528, ClinGen allele CA246498.